The following is an entry in ClinVar:

ClinVar aggregate classification (germline): Uncertain significance (1 of 4 stars; one submission).

Conditions:
Autosomal dominant epilepsy with auditory features. Identifiers: Orphanet 101046, MedGen C1838062, MONDO:0010898.

gnomAD v4.1: 1 of 1,614,116 alleles (0.000062%); highest among the groups gnomAD compares: Admixed American, 0.0017%; no homozygotes.

Submission:

Labcorp Genetics (formerly Invitae), Labcorp
Classification: Uncertain significance for Autosomal dominant epilepsy with auditory features. Last evaluated: 2024-07-06. Review status: criteria provided, single submitter. Criteria: Invitae Variant Classification Sherloc (09022015). Collection method: clinical testing. Allele origin: germline.
Comment: This sequence change replaces leucine, which is neutral and non-polar, with proline, which is neutral and non-polar, at codon 302 of the LGI1 protein (p.Leu302Pro). This variant is not present in population databases (gnomAD no frequency). This variant has not been reported in the literature in individuals affected with LGI1-related conditions. Advanced modeling of protein sequence and biophysical properties (such as structural, functional, and spatial information, amino acid conservation, physicochemical variation, residue mobility, and thermodynamic stability) performed at Invitae indicates that this missense variant is not expected to disrupt LGI1 protein function with a negative predictive value of 80%. In summary, the available evidence is currently insufficient to determine the role of this variant in disease. Therefore, it has been classified as a Variant of Uncertain Significance.

NM_005097.4(LGI1):c.905T>C (p.Leu302Pro)

Gene: LGI1 (leucine rich glioma inactivated 1; plus strand). Cytogenetic location: 10q23.33.
Variant type: single nucleotide variant.
Coding change: c.905T>C on transcript NM_005097.4 (MANE Select); coding-DNA position 905, T replaced by C.
Protein change: p.Leu302Pro; replaces leucine 302 with proline.
Molecular consequence: missense variant. On other transcripts: non-coding transcript variant (1), intron variant (1).
Genome position (GRCh38, 1-based): chr10:93,797,034, T>C. VCF-style: chr10-93797034-T-C. GRCh37 (hg19) VCF-style: chr10-95556791-T-C.
Other names: c.761T>C, p.Leu254Pro (NM_001308276.2); c.839-715T>C (NM_001308275.2); short protein forms L254P, L302P.
Identifiers: ClinVar variation 3653096 (VCV003653096.2).